The following is an entry in ClinVar:

ClinVar aggregate classification (germline): Uncertain significance (1 of 4 stars; one submission).

Conditions:
Aniridia 1 (AN1). Identifiers: Orphanet 250923, MedGen C0344542, MONDO:0024507, OMIM 106210.
Irido-corneo-trabecular dysgenesis (ASGD5). Also called: ANTERIOR SEGMENT DYSGENESIS 5. Identifiers: Orphanet 708, MedGen C0344559, MONDO:0011414, OMIM 604229, HP:0000659.

gnomAD v4.1: 1 of 1,610,552 alleles (0.000062%); highest among the groups gnomAD compares: South Asian, 0.0011%; no homozygotes.

Submission:

Labcorp Genetics (formerly Invitae), Labcorp
Classification: Uncertain significance for Aniridia 1; Irido-corneo-trabecular dysgenesis. Last evaluated: 2025-12-16. Review status: criteria provided, single submitter. Criteria: Invitae Variant Classification Sherloc (09022015). Collection method: clinical testing. Allele origin: germline.
Comment: This sequence change falls in intron 5 of the PAX6 gene. It does not directly change the encoded amino acid sequence of the PAX6 protein. It affects a nucleotide within the consensus splice site. This variant is not present in population databases (gnomAD no frequency). This variant has not been reported in the literature in individuals affected with PAX6-related conditions. Variants that disrupt the consensus splice site are a relatively common cause of aberrant splicing (PMID: 17576681, 9536098). Algorithms developed to predict the effect of sequence changes on RNA splicing suggest that this variant is not likely to affect RNA splicing. In summary, the available evidence is currently insufficient to determine the role of this variant in disease. Therefore, it has been classified as a Variant of Uncertain Significance.

Literature cited by the submitters: PubMed 17576681; PubMed 9536098.

NM_001368894.2(PAX6):c.141+6C>T

Gene: PAX6 (paired box 6; minus strand). Cytogenetic location: 11p13.
Variant type: single nucleotide variant.
Coding change: c.141+6C>T on transcript NM_001368894.2 (MANE Select); 6 bases into the intron after coding-DNA position 141, C replaced by T.
Molecular consequence: intron variant. On other transcripts: synonymous variant (3).
Genome position (GRCh38, 1-based): chr11:31,802,698, G>A on the plus strand (C>T on the coding strand, the complement: PAX6 is on the minus strand). VCF-style: chr11-31802698-G-A. GRCh37 (hg19) VCF-style: chr11-31824246-G-A.
Other names: c.147C>T, p.Ile49= (NM_001368918.2, NM_001368919.2, NM_001368920.2); c.141+6C>T (NM_001127612.3, NM_001368921.2, NM_001368923.2 and 27 more transcripts); c.384+6C>T (NM_001368910.2); c.-267-922C>T (NM_001368909.2, NM_001368904.2); c.144+6C>T (NM_001368911.2); c.-641+6C>T (NM_001368905.2, NM_001310160.2); c.-268+6C>T (NM_001368906.2, NM_001368901.2, NM_001368899.2 and 1 more transcripts); c.-310+6C>T (NM_001368908.2, NM_001310161.3, NM_001368900.2 and 2 more transcripts); and 1 more.
Identifiers: ClinVar variation 4785584 (VCV004785584.1).